The following is an entry in ClinVar:

ClinVar aggregate classification (germline): Pathogenic. Review status: criteria provided, multiple submitters, no conflicts (2 of 4 stars). 2 submissions from 2 submitters: Pathogenic (2). Last evaluated 2025-09-16.

Conditions:
Hereditary cancer-predisposing syndrome. Also called: Hereditary Cancer Syndrome; Tumor predisposition; Hereditary neoplastic syndrome; Neoplastic Syndromes, Hereditary. Identifiers: Orphanet 140162, MedGen C0027672, MeSH D009386, MONDO:0015356.
BAP1-related tumor predisposition syndrome (TPDS1). Also called: Tumor susceptibility linked to germline BAP1 mutations; BAP1 tumor predisposition syndrome; COMMON Syndrome; TUMOR PREDISPOSITION SYNDROME 1. Identifiers: Orphanet 289539, MedGen C3280492, MONDO:0013692, OMIM 614327.

Submissions (2):

Labcorp Genetics (formerly Invitae), Labcorp
Classification: Pathogenic for BAP1-related tumor predisposition syndrome. Last evaluated: 2025-09-16. Review status: criteria provided, single submitter. Criteria: Invitae Variant Classification Sherloc (09022015). Collection method: clinical testing. Allele origin: germline.
Comment: This sequence change creates a premature translational stop signal (p.Tyr241*) in the BAP1 gene. It is expected to result in an absent or disrupted protein product. Loss-of-function variants in BAP1 are known to be pathogenic (PMID: 21874000, 23684012). This variant is not present in population databases (gnomAD no frequency). This premature translational stop signal has been observed in individual(s) with uveal melanoma (PMID: 23849051). ClinVar contains an entry for this variant (Variation ID: 3260376). For these reasons, this variant has been classified as Pathogenic.

Ambry Genetics
Classification: Pathogenic for Hereditary cancer-predisposing syndrome. Last evaluated: 2024-04-11. Review status: criteria provided, single submitter. Criteria: Ambry Variant Classification Scheme 2023. Collection method: clinical testing. Allele origin: germline.
Comment: The p.Y241* pathogenic mutation (also known as c.723T>G), located in coding exon 9 of the BAP1 gene, results from a T to G substitution at nucleotide position 723. This changes the amino acid from a tyrosine to a stop codon within coding exon 9. This variant was reported in an individual who met clinical criteria for BAP1-related tumor predisposition syndrome (Cheung M et al. Cancer Genet, 2013 May;206:206-10). This variant is considered to be rare based on population cohorts in the Genome Aggregation Database (gnomAD). In addition to the clinical data presented in the literature, this alteration is expected to result in loss of function by premature protein truncation or nonsense-mediated mRNA decay. As such, this alteration is interpreted as a disease-causing mutation.

Literature cited by the submitters: PubMed 21874000 (cited by Labcorp Genetics (formerly Invitae), Labcorp); PubMed 23684012 (cited by Labcorp Genetics (formerly Invitae), Labcorp); PubMed 23849051 (cited by Labcorp Genetics (formerly Invitae), Labcorp and Ambry Genetics).

NM_004656.4(BAP1):c.723T>G (p.Tyr241Ter)

Gene: BAP1 (BRCA1 associated deubiquitinase 1; minus strand). Cytogenetic location: 3p21.1.
Variant type: single nucleotide variant.
Coding change: c.723T>G on transcript NM_004656.4 (MANE Select); coding-DNA position 723, T replaced by G.
Protein change: p.Tyr241Ter; replaces tyrosine 241 with a stop codon.
Molecular consequence: nonsense.
Genome position (GRCh38, 1-based): chr3:52,406,313, A>C on the plus strand (T>G on the coding strand, the complement: BAP1 is on the minus strand). VCF-style: chr3-52406313-A-C. GRCh37 (hg19) VCF-style: chr3-52440329-A-C.
Other names: c.669T>G, p.Tyr223Ter (NM_001410772.1); short protein forms Y223*, Y241*.
Identifiers: ClinVar variation 3260376 (VCV003260376.2).